The following is an entry in ClinVar:

NM_198428.3(BBS9):c.2005_2010del (p.Arg669_Ala670del)

Gene: BBS9 (Bardet-Biedl syndrome 9; plus strand). Cytogenetic location: 7p14.3.
Variant type: Deletion.
Coding change: c.2005_2010del on transcript NM_198428.3 (MANE Select); coding-DNA positions 2005 to 2010, 6 bases deleted (AGAGCT; older notation c.2005_2010delAGAGCT).
Protein change: p.Arg669_Ala670del.
Molecular consequence: inframe deletion. On other transcripts: non-coding transcript variant (3).
Genome position (GRCh38, 1-based): chr7:33,388,034-33,388,039, AGAGCT deleted. VCF-style (leftmost placement, unchanged base first): chr7-33388033-GAGAGCT-G. GRCh37 (hg19) VCF-style: chr7-33427645-GAGAGCT-G.
Other names: c.1900_1905del, p.Arg634_Ala635del (NM_001033604.2); c.1990_1995del, p.Arg664_Ala665del (NM_001033605.2); c.2005_2010del, p.Arg669_Ala670del (NM_001348036.1, NM_001348041.4, NM_001348043.3 and 1 more transcripts); c.1639_1644del, p.Arg547_Ala548del (NM_001348037.3, NM_001348045.3, NM_001348046.3); c.1732_1737del, p.Arg578_Ala579del (NM_001348038.3); c.1627_1632del, p.Arg543_Ala544del (NM_001348039.3); c.1885_1890del, p.Arg629_Ala630del (NM_001348040.3, NM_014451.4); c.1870_1875del, p.Arg624_Ala625del (NM_001348042.3); and 1 more.
Identifiers: ClinVar variation 4983847 (VCV004983847.1).

ClinVar aggregate classification (germline): Uncertain significance (1 of 4 stars; one submission).

Conditions:
BBS9-related disorder. Also called: BBS9-related condition.

Submission:

PreventionGenetics, part of Exact Sciences
Classification: Uncertain significance for BBS9-related condition. Last evaluated: 2025-05-23. Review status: criteria provided, single submitter. Criteria: ACMG Guidelines, 2015. Collection method: clinical testing. Allele origin: germline.
Comment: The BBS9 c.2005_2010del6 variant is predicted to result in an in-frame deletion (p.Arg669_Ala670del). To our knowledge, this variant has not been reported in the literature or in a large population database (gnomAD), indicating this variant is rare. At this time, the clinical significance of this variant is uncertain due to the absence of conclusive functional and genetic evidence.